The following is an entry in ClinVar:

ClinVar aggregate classification (germline): Benign. Review status: reviewed by expert panel (3 of 4 stars). 26 submissions from 26 submitters: Benign (1). 25 of the submissions do not count toward it. Last evaluated 2024-09-17.

Conditions:
Noonan syndrome and Noonan-related syndrome. Identifiers: Orphanet 98733, MedGen C5681679, MONDO:0020297.
PTPN11-related disorder. Also called: PTPN11-Related Disorders.
Cardiomyopathy (CMYO). Also called: Cardiomyopathies. Identifiers: Orphanet 167848, MedGen C0878544, MONDO:0004994, HP:0001638. Inheritance: Various modes of inheritance.
Primary dilated cardiomyopathy (DCM). Also called: Dilated Cardiomyopathy. Identifiers: Orphanet 217604, MedGen C0007193, MeSH D002311, MONDO:0005021, HP:0001644. Inheritance: Various modes of inheritance.
Cardiovascular phenotype. Identifiers: MedGen CN230736.
Metachondromatosis (METCDS). Identifiers: Orphanet 2499, MedGen C0410530, MONDO:0007979, OMIM 156250.
Noonan syndrome 1 (NS1). Also called: TURNER PHENOTYPE WITH NORMAL KARYOTYPE; PTPN11-Related Noonan Syndrome; FEMALE PSEUDO-TURNER SYNDROME. Identifiers: Orphanet 648, MedGen C4551602, MONDO:0008104, OMIM 163950. Disease mechanism: gain of function.
LEOPARD syndrome 1 (LPRD1). Also called: LENTIGINOSIS, CARDIOMYOPATHIC; MULTIPLE LENTIGINES SYNDROME; PTPN11-Related LEOPARD Syndrome. Identifiers: Orphanet 500, MedGen C4551484, MONDO:0100082, OMIM 151100.
Juvenile myelomonocytic leukemia (JMML). Also called: LEUKEMIA, JUVENILE MYELOMONOCYTIC, SOMATIC. Identifiers: Orphanet 86834, MedGen C0349639, MONDO:0011908, OMIM 607785, HP:0012209.
RASopathy. Also called: rasopathies; Noonan spectrum disorder. Identifiers: Orphanet 536391, MedGen C5555857, MONDO:0021060.
Familial thoracic aortic aneurysm and aortic dissection (TAAD). Also called: Thoracic aortic aneurysms and dissections. Identifiers: Orphanet 91387, MedGen C4707243, MONDO:0019625.
Noonan syndrome (NS). Also called: Noonan's syndrome. Identifiers: Orphanet 648, MedGen C0028326, MeSH D009634, MONDO:0018997. Disease mechanism: gain of function.

Allele frequency attached by ClinVar (database versions not stated): 1000 Genomes Project 30x 0.00016; TOPMed 0.00045; ESP Exome Variant Server 0.00046; ExAC 0.00049; 1000 Genomes Project 0.00020; gnomAD 0.00045 and 0.00048.
gnomAD v4.1: 1,410 of 1,613,846 alleles (0.087%); highest among the groups gnomAD compares: Non-Finnish European, 0.11%; 1 homozygote.

Submissions 1 to 14 of 26:

ClinGen RASopathy Variant Curation Expert Panel
Classification: Benign for RASopathy. Last evaluated: 2024-09-17. Review status: reviewed by expert panel. Criteria: ClinGen RASopathy ACMG Specifications PTPN11 V2.1.0. Collection method: curation. Allele origin: germline. Inheritance: Autosomal dominant inheritance.
Comment: The filtering allele frequency of the c.1658C>T (p.Thr553Met) variant in the PTPN11 gene (NM_002834.5(PTPN11):c.1658C>T (p.Thr553Met)) is 0.048% for European (Non-Finnish) chromosomes by the Exome Aggregation Consortium (49/66556 with 95% CI), which is a high enough frequency to be classified as benign based on thresholds defined by the ClinGen RASopathy Expert panel for autosomal dominant RASopathy variants (BA1). Computational prediction tools and conservation analysis suggest that the p.Thr553Met variant does not impact the protein (BP4). In summary, this variant meets criteria to be classified as benign. RASopathy-specific ACMG/AMP criteria applied: BA1, BP4 (Version 2.1; 09/17/2024).

Labcorp Genetics (formerly Invitae), Labcorp
Classification: Likely benign for RASopathy. Last evaluated: 2026-01-26. Review status: criteria provided, single submitter. Criteria: Invitae Variant Classification Sherloc (09022015). Collection method: clinical testing. Allele origin: germline. Not counted in ClinVar's aggregate classification.

CeGaT Center for Human Genetics Tuebingen
Classification: Likely benign. Last evaluated: 2025-12-01. Review status: criteria provided, single submitter. Criteria: CeGaT Center For Human Genetics Tuebingen Variant Classification Criteria Version 2. Collection method: clinical testing. Allele origin: germline. Affected: yes. Observed: 4 variant alleles. Not counted in ClinVar's aggregate classification.
Comment: PTPN11: PP2, BP4, BS1

Mayo Clinic Laboratories, Mayo Clinic
Classification: Benign. Last evaluated: 2025-09-19. Review status: criteria provided, single submitter. Criteria: ACMG Guidelines, 2015. Collection method: clinical testing. Allele origin: germline. Observed: 1 variant allele. Not counted in ClinVar's aggregate classification.
Comment: BA1, BP4_moderate

Molecular Diagnostic Laboratory for Inherited Cardiovascular Disease, Montreal Heart Institute
Classification: Likely benign. Last evaluated: 2025-04-08. Review status: criteria provided, single submitter. Criteria: ACMG Guidelines, 2015. Collection method: clinical testing. Allele origin: germline. Affected: no. Not counted in ClinVar's aggregate classification.
Comment: PP2, BS1, BP4, BP6

Blueprint Genetics
Classification: Likely benign. Last evaluated: 2024-11-27. Review status: criteria provided, single submitter. Criteria: ACMG Guidelines, 2015. Collection method: clinical testing. Allele origin: germline. Not counted in ClinVar's aggregate classification.

Fulgent Genetics
Classification: Likely benign for LEOPARD syndrome 1; Metachondromatosis; Noonan syndrome 1; Juvenile myelomonocytic leukemia. Last evaluated: 2022-04-16. Review status: criteria provided, single submitter. Criteria: ACMG Guidelines, 2015. Collection method: clinical testing. Allele origin: unknown. Not counted in ClinVar's aggregate classification.

Women's Health and Genetics/Laboratory Corporation of America, LabCorp
Classification: Benign. Last evaluated: 2022-02-27. Review status: criteria provided, single submitter. Criteria: LabCorp Variant Classification Summary - May 2015. Collection method: clinical testing. Allele origin: germline. Not counted in ClinVar's aggregate classification.
Comment: Variant summary: PTPN11 c.1658C>T (p.Thr553Met) results in a non-conservative amino acid change in the encoded protein sequence. Three of five in-silico tools predict a benign effect of the variant on protein function. The variant allele was found at a frequency of 0.00044 in 283484 control chromosomes. The observed variant frequency is approximately 7 fold of the estimated maximal expected allele frequency for a pathogenic variant in PTPN11 causing Noonan Syndrome And Related Conditions phenotype (6.3e-05), strongly suggesting that the variant is benign. Particularly in an elderly control population, this variant was found at allele frequency of 0.003 (3/1000 chromosomes), strongly supporting for a benign outcome (Beaudoin_2012). c.1658C>T has been reported in the literature including a fetus with clinical features of Noonan syndrome without information of clinical follow-up (Lee_2008), one patient with neurofibromatosis type 1 who also carried an NF1 splice site variant (Sant_2015), three patients with myocardial Infarction (Beaudoin_2012), one patient with breast cancer (Maxwell_2016), one patient with glioblastoma multiforme (Sturla_2011/TCGA database) and one lymphoid neoplasm sample (COSMIC/PMID: 22675565). However, none of the published studies provide strong evidence for or against pathogenicity. This variant has been identified by LMM laboratory in 5 individuals with clinical features of Noonan syndrome. However, it was also identified in 3 parents of unrelated probands who were reportedly unaffected (LMM unpublished data), strongly supporting for benign outcome. To our knowledge, no experimental evidence demonstrating an impact on protein function has been reported. Multiple ClinVar submitters and one expert panel (ClinGen RASopathy Variant Curation Expert Panel) (evaluation after 2014) cite the variant as benign (n=4) and likely benign (n=10). Based on the evidence outlined above, the variant was classified as benign.

Genetic Services Laboratory, University of Chicago
Classification: Likely benign. Last evaluated: 2020-11-30. Review status: criteria provided, single submitter. Criteria: ACMG Guidelines, 2015. Collection method: clinical testing. Allele origin: germline. Affected: no. Not counted in ClinVar's aggregate classification.

Genome Diagnostics Laboratory, The Hospital for Sick Children
Classification: Benign for Noonan syndrome and Noonan-related syndrome. Last evaluated: 2020-04-01. Review status: criteria provided, single submitter. Criteria: ACMG Guidelines, 2015. Collection method: clinical testing. Allele origin: germline. Not counted in ClinVar's aggregate classification.

Cambridge Genomics Laboratory, East Genomic Laboratory Hub, NHS Genomic Medicine Service
Classification: Likely benign for Familial thoracic aortic aneurysm and aortic dissection. Last evaluated: 2020-03-30. Review status: criteria provided, single submitter. Criteria: ACGS Best Practice Guidelines for Variant Classification in Rare Disease 2020. Collection method: clinical testing. Allele origin: germline. Affected: yes. Observed: 1 variant allele. Not counted in ClinVar's aggregate classification.

Mendelics
Classification: Benign for Metachondromatosis. Last evaluated: 2019-05-28. Review status: criteria provided, single submitter. Criteria: Mendelics Assertion Criteria 2017. Collection method: clinical testing. Allele origin: unknown. Not counted in ClinVar's aggregate classification.

Ambry Genetics
Classification: Likely benign for Cardiovascular phenotype. Last evaluated: 2018-07-27. Review status: criteria provided, single submitter. Criteria: Ambry Variant Classification Scheme 2023. Collection method: clinical testing. Allele origin: germline. Not counted in ClinVar's aggregate classification.

Center for Advanced Laboratory Medicine, UC San Diego Health, University of California San Diego
Classification: Likely benign for Dilated cardiomyopathy; Cardiomyopathy. Last evaluated: 2018-07-13. Review status: criteria provided, single submitter. Criteria: ACMG Guidelines, 2015. Collection method: clinical testing. Allele origin: germline. Affected: yes. Observed: 2 variant alleles. Not counted in ClinVar's aggregate classification.

NM_002834.5(PTPN11):c.1658C>T (p.Thr553Met)

Gene: PTPN11 (protein tyrosine phosphatase non-receptor type 11; plus strand). Cytogenetic location: 12q24.13.
Variant type: single nucleotide variant.
Coding change: c.1658C>T on transcript NM_002834.5 (MANE Select); coding-DNA position 1658, C replaced by T.
Protein change: p.Thr553Met; replaces threonine 553 with methionine.
Molecular consequence: missense variant.
Genome position (GRCh38, 1-based): chr12:112,502,202, C>T. VCF-style: chr12-112502202-C-T. GRCh37 (hg19) VCF-style: chr12-112940006-C-T.
Other names: p.T553M:ACG>ATG; NM_002834.4(PTPN11):c.1658C>T; c.1670C>T, p.Thr557Met (NM_001330437.2); c.1655C>T, p.Thr552Met (NM_001374625.1); short protein forms T553M, T557M, T552M.
Identifiers: ClinVar variation 40570 (VCV000040570.76), dbSNP rs148176616, ClinGen allele CA134644.
Genomic context (GRCh38, chr12:112,502,202, plus strand): 5'-AGAAAAGCAAGAGGAAAGGGCACGAATATACAAATATTAAGTATTCTCTAGCGGACCAGA[C>T]GAGTGGAGATCAGAGCCCTCTCCCGCCTTGTACTCCAACGCCACCCTGTGCAGAGTAAGT-3'
Protein context (NP_002825.3, residues 543-563): TNIKYSLADQ[Thr553Met]SGDQSPLPPC